The following is an entry in ClinVar:

ClinVar aggregate classification (germline): Benign/Likely benign. Review status: criteria provided, multiple submitters, no conflicts (2 of 4 stars). 9 submissions from 9 submitters: Benign (1); Likely benign (7). 1 of the submissions does not count toward it. Last evaluated 2026-09-01.

Conditions:
Familial focal epilepsy with variable foci (FPEVF). Identifiers: Orphanet 98820, MedGen C1858477, MONDO:0020310.
Inborn genetic diseases. Identifiers: MedGen C0950123, MeSH D030342.
Epilepsy, familial focal, with variable foci 1 (FFEVF1). Also called: DEPDC5-Related Epilepsy. Identifiers: MedGen C4551983, MONDO:0024556, OMIM 604364.
DEPDC5-related disorder. Also called: DEPDC5-related related disorder; DEPDC5-related condition.

Allele frequency attached by ClinVar (database versions not stated): 1000 Genomes Project 0.00060; 1000 Genomes Project 30x 0.00062; gnomAD 0.00071 and 0.00074; ESP Exome Variant Server 0.00076; TOPMed 0.00081; ExAC 0.00085; gnomAD exomes 0.00087 and 0.00103.
gnomAD v4.1: 1,619 of 1,614,046 alleles (0.1%); highest among the groups gnomAD compares: South Asian, 0.18%; 3 homozygotes.

Submissions (9):

CeGaT Center for Human Genetics Tuebingen
Classification: Likely benign. Last evaluated: 2026-09-01. Review status: criteria provided, single submitter. Criteria: CeGaT Center For Human Genetics Tuebingen Variant Classification Criteria Version 2. Collection method: clinical testing. Allele origin: germline. Affected: yes. Observed: 6 variant alleles.
Comment: DEPDC5: BS1

Labcorp Genetics (formerly Invitae), Labcorp
Classification: Likely benign for Familial focal epilepsy with variable foci. Last evaluated: 2026-01-19. Review status: criteria provided, single submitter. Criteria: Invitae Variant Classification Sherloc (09022015). Collection method: clinical testing. Allele origin: germline.

Ambry Genetics
Classification: Likely benign for Inborn genetic diseases. Last evaluated: 2025-01-30. Review status: criteria provided, single submitter. Criteria: Ambry Variant Classification Scheme 2023. Collection method: clinical testing. Allele origin: germline.

Blueprint Genetics
Classification: Likely benign. Last evaluated: 2024-11-22. Review status: criteria provided, single submitter. Criteria: ACMG Guidelines, 2015. Collection method: clinical testing. Allele origin: germline.

GeneDx
Classification: Benign. Last evaluated: 2021-02-12. Review status: criteria provided, single submitter. Criteria: GeneDx Variant Classification Process June 2021. Collection method: clinical testing. Allele origin: germline. Affected: yes.

Dubai Health Genomic Medicine Center, Dubai Health
Classification: Likely benign for Epilepsy, familial focal, with variable foci 1. Last evaluated: 2020-08-18. Review status: criteria provided, single submitter. Criteria: ACMG Guidelines, 2015. Collection method: clinical testing. Allele origin: germline. Affected: yes.

Athena Diagnostics
Classification: Likely benign. Last evaluated: 2017-11-16. Review status: criteria provided, single submitter. Criteria: Athena Diagnostics Criteria. Collection method: clinical testing. Allele origin: germline.

Breakthrough Genomics
Classification: Likely benign. Review status: criteria provided, single submitter. Criteria: ACMG Guidelines, 2015. Collection method: not provided. Allele origin: germline. Inheritance: Autosomal dominant inheritance. Affected: yes.

PreventionGenetics, part of Exact Sciences
Classification: Likely benign for DEPDC5-related condition. Last evaluated: 2020-07-27. Review status: no assertion criteria provided. Collection method: clinical testing. Allele origin: germline. Not counted in ClinVar's aggregate classification.
Comment: This variant is classified as likely benign based on ACMG/AMP sequence variant interpretation guidelines (Richards et al. 2015 PMID: 25741868, with internal and published modifications).

Literature cited by the submitters: PubMed 29057844 (cited by Athena Diagnostics).

NM_001242896.3(DEPDC5):c.1330G>A (p.Gly444Arg)

Gene: DEPDC5 (DEP domain containing 5, GATOR1 subcomplex subunit; plus strand). Cytogenetic location: 22q12.3.
Variant type: single nucleotide variant.
Coding change: c.1330G>A on transcript NM_001242896.3 (MANE Select); coding-DNA position 1330, G replaced by A.
Protein change: p.Gly444Arg; replaces glycine 444 with arginine.
Molecular consequence: missense variant. On other transcripts: non-coding transcript variant (5).
Genome position (GRCh38, 1-based): chr22:31,810,526, G>A. VCF-style: chr22-31810526-G-A. GRCh37 (hg19) VCF-style: chr22-32206512-G-A.
Other names: c.1330G>A, p.Gly444Arg (NM_001007188.4, NM_001136029.4, NM_001242897.2 and 7 more transcripts); c.1246G>A, p.Gly416Arg (NM_001369901.1, NM_001369902.1); short protein forms G444R, G416R.
Identifiers: ClinVar variation 414450 (VCV000414450.51), dbSNP rs201394709, ClinGen allele CA10196344.